The following is an entry in ClinVar:

NM_033380.3(COL4A5):c.2432G>T (p.Gly811Val)

Gene: COL4A5 (collagen type IV alpha 5 chain; plus strand). Cytogenetic location: Xq22.3.
Variant type: single nucleotide variant.
Coding change: c.2432G>T on transcript NM_033380.3 (MANE Select); coding-DNA position 2432, G replaced by T.
Protein change: p.Gly811Val; replaces glycine 811 with valine.
Molecular consequence: missense variant.
Genome position (GRCh38, 1-based): chrX:108,614,947, G>T. VCF-style: chrX-108614947-G-T. GRCh37 (hg19) VCF-style: chrX-107858177-G-T.
Other names: c.2432G>T, p.Gly811Val (NM_000495.5); c.2432G>T (NM_033380.2); short protein forms G811V.
Identifiers: ClinVar variation 24521 (VCV000024521.11), dbSNP rs104886183, ClinGen allele CA258685.

ClinVar aggregate classification (germline): Pathogenic. Review status: criteria provided, multiple submitters, no conflicts (2 of 4 stars). 2 submissions from 2 submitters: Pathogenic (2). Last evaluated 2022-09-02.

Conditions:
X-linked Alport syndrome (ATS1). Also called: COL4A5-Related Nephropathy; NEPHROPATHY AND DEAFNESS, X-LINKED. Identifiers: Orphanet 63, Orphanet 88917, MedGen C4746986, MONDO:0010520, OMIM 301050.

Submissions (2):

Victorian Clinical Genetics Services, Murdoch Childrens Research Institute
Classification: Pathogenic for X-linked Alport syndrome. Last evaluated: 2022-09-02. Review status: criteria provided, single submitter. Criteria: ACMG Guidelines, 2015. Collection method: clinical testing. Allele origin: germline. Inheritance: X-linked dominant inheritance. Affected: yes.
Comment: Based on the classification scheme VCGS_Germline_v1.3.4, this variant is classified as Pathogenic. Following criteria are met: 0103 - Dominant negative and loss of function are known mechanisms of disease in this gene and are associated with X-linked Alport syndrome 1 (MIM#301050). Dominant negative is caused mostly by glycine substitutions that affect the conformation of the protein, and loss of function can be caused by either protein truncating or missense variants (PMID: 24046192, 12028435). (I). (I) 0110 - This gene is associated with X-linked dominant disease. Males are typically more severely affected than females (PMID: 19965530). (I) 0115 - Variants in this gene are known to have variable expressivity. There is intrafamilial variability among affected carrier females, possibly due to variable X-inactivation (PMID: 14514738). (I) 0200 - Variant is predicted to result in a missense amino acid change from glycine to valine. (I) 0253 - This variant is hemizygous. (I) 0301 - Variant is absent from gnomAD (both v2 and v3). (SP) 0501 - Missense variant consistently predicted to be damaging by multiple in silico tools or highly conserved with a major amino acid change. (SP) 0601 - Variant is located in the well-established functional collagen domain in the Gly-X-Y motif (DECIPHER). (SP) 0704 - Another missense variant comparable to the one identified in this case has limited previous evidence for pathogenicity. PMID 17396119 report c.2633C>A, p.(Gly811Arg) in a Slovenian family with Alport syndrome. It has also been reported once as pathogenic in ClinVar. (I) 0803 - This variant has limited previous evidence of pathogenicity. It has been reported in an individual with Alport syndrome (PMID: 8940267) and has been reported once as pathogenic in ClinVar. (I) 0905 - No published segregation evidence has been identified for this variant. (I) 1007 - No published functional evidence has been identified for this variant. (I) 1102 - Strong phenotype match for this individual. (SP) 1208 - Inheritance information for this variant is not currently available in this individual. (I) Legend: (SP) - Supporting pathogenic, (I) - Information, (SB) - Supporting benign

Labcorp Genetics (formerly Invitae), Labcorp
Classification: Pathogenic. Last evaluated: 2020-10-25. Review status: criteria provided, single submitter. Criteria: Invitae Variant Classification Sherloc (09022015). Collection method: clinical testing. Allele origin: germline.
Comment: For these reasons, this variant has been classified as Pathogenic. This variant disrupts the triple helix domain of COL4A5. Glycine residues within the Gly-Xaa-Yaa repeats of the triple helix domain are required for the structure and stability of fibrillar collagens (PMID: 7695699, 8218237, 19344236). In COL4A5, missense variants at these glycine residues are significantly enriched in individuals with disease (PMID: 23720012, 27627812) compared to the general population (ExAC). Algorithms developed to predict the effect of sequence changes on RNA splicing suggest that this variant may create or strengthen a splice site, but this prediction has not been confirmed by published transcriptional studies. Advanced modeling of protein sequence and biophysical properties (such as structural, functional, and spatial information, amino acid conservation, physicochemical variation, residue mobility, and thermodynamic stability) performed at Invitae indicates that this missense variant is expected to disrupt COL4A5 protein function. This variant has been observed in individual(s) with Alport syndrome (PMID: 8940267, Invitae). This variant is not present in population databases (ExAC no frequency). This sequence change replaces glycine with valine at codon 811 of the COL4A5 protein (p.Gly811Val). The glycine residue is highly conserved and there is a moderate physicochemical difference between glycine and valine.

Literature cited by the submitters: PubMed 8940267 (cited by Victorian Clinical Genetics Services, Murdoch Childrens Research Institute and Labcorp Genetics (formerly Invitae), Labcorp); PubMed 12028435 (cited by Victorian Clinical Genetics Services, Murdoch Childrens Research Institute); PubMed 14514738 (cited by Victorian Clinical Genetics Services, Murdoch Childrens Research Institute); PubMed 17396119 (cited by Victorian Clinical Genetics Services, Murdoch Childrens Research Institute); PubMed 19965530 (cited by Victorian Clinical Genetics Services, Murdoch Childrens Research Institute); PubMed 24046192 (cited by Victorian Clinical Genetics Services, Murdoch Childrens Research Institute); PubMed 7695699 (cited by Labcorp Genetics (formerly Invitae), Labcorp); PubMed 8218237 (cited by Labcorp Genetics (formerly Invitae), Labcorp); PubMed 19344236 (cited by Labcorp Genetics (formerly Invitae), Labcorp); PubMed 23720012 (cited by Labcorp Genetics (formerly Invitae), Labcorp); PubMed 27627812 (cited by Labcorp Genetics (formerly Invitae), Labcorp).